The following is an entry in ClinVar:

ClinVar aggregate classification (germline): Uncertain significance (1 of 4 stars; one submission).

Conditions:
Methylmalonic acidemia with homocystinuria, type cblJ (MAHCJ). Also called: METHYLMALONIC ACIDURIA AND HOMOCYSTINURIA, cblJ TYPE. Identifiers: Orphanet 369955, MedGen C3553915, MONDO:0013925, OMIM 614857.

Allele frequency attached by ClinVar (database versions not stated): ExAC 0.00002.
gnomAD v4.1: 26 of 1,613,002 alleles (0.0016%); highest among the groups gnomAD compares: Non-Finnish European, 0.0021%; no homozygotes.

Submission:

Labcorp Genetics (formerly Invitae), Labcorp
Classification: Uncertain significance for Methylmalonic acidemia with homocystinuria, type cblJ. Last evaluated: 2023-12-11. Review status: criteria provided, single submitter. Criteria: Invitae Variant Classification Sherloc (09022015). Collection method: clinical testing. Allele origin: germline.
Comment: This sequence change replaces valine, which is neutral and non-polar, with leucine, which is neutral and non-polar, at codon 213 of the ABCD4 protein (p.Val213Leu). This variant is present in population databases (rs759821450, gnomAD 0.0009%). This variant has not been reported in the literature in individuals affected with ABCD4-related conditions. Advanced modeling of protein sequence and biophysical properties (such as structural, functional, and spatial information, amino acid conservation, physicochemical variation, residue mobility, and thermodynamic stability) performed at Invitae indicates that this missense variant is not expected to disrupt ABCD4 protein function with a negative predictive value of 95%. In summary, the available evidence is currently insufficient to determine the role of this variant in disease. Therefore, it has been classified as a Variant of Uncertain Significance.

NM_005050.4(ABCD4):c.637G>T (p.Val213Leu)

Gene: ABCD4 (ATP binding cassette subfamily D member 4; minus strand). Cytogenetic location: 14q24.3.
Variant type: single nucleotide variant.
Coding change: c.637G>T on transcript NM_005050.4 (MANE Select); coding-DNA position 637, G replaced by T.
Protein change: p.Val213Leu; replaces valine 213 with leucine.
Molecular consequence: missense variant. On other transcripts: 5 prime UTR variant (9), non-coding transcript variant (10), intron variant (2).
Genome position (GRCh38, 1-based): chr14:74,295,885, C>A on the plus strand (G>T on the coding strand, the complement: ABCD4 is on the minus strand). VCF-style: chr14-74295885-C-A. GRCh37 (hg19) VCF-style: chr14-74762588-C-A.
Other names: c.376G>T, p.Val126Leu (NM_001353593.2, NM_001353594.2); c.223G>T, p.Val75Leu (NM_001353595.2, NM_001353596.2, NM_001353597.2); c.160G>T, p.Val54Leu (NM_001353598.2, NM_001353599.2, NM_001353600.2 and 2 more transcripts); c.-58G>T (NM_001353602.2, NM_001353603.2, NM_001353604.2 and 6 more transcripts); c.508G>T, p.Val170Leu (NM_020323.1); c.637G>T, p.Val213Leu (NM_020325.3); c.542+448G>T (NM_001353591.2, NM_001353592.2); short protein forms V170L, V213L, V75L, V126L, V54L.
Identifiers: ClinVar variation 2851248 (VCV002851248.2), dbSNP rs759821450, ClinGen allele CA7267137.
Genomic context (GRCh38, chr14:74,295,885, plus strand): 5'-CCCAGAAACCTCAAGTGAGGGAGACACACCTAAAATCTCCCTCCAGCTTCTCCTGATGCA[C>A]CAGCTTCATCACAATGGGGCCCATCAAAGTTTTGTTCACCACGGTCCCCAGGATGAAATA-3'
Protein context (NP_005041.1, residues 203-223): TLMGPIVMKL[Val213Leu]HQEKLEGDFR